The following is an entry in ClinVar:

NM_006371.5(CRTAP):c.611A>C (p.Lys204Thr)

Gene: CRTAP (cartilage associated protein; plus strand). Cytogenetic location: 3p22.3.
Variant type: single nucleotide variant.
Coding change: c.611A>C on transcript NM_006371.5 (MANE Select); coding-DNA position 611, A replaced by C.
Protein change: p.Lys204Thr; replaces lysine 204 with threonine.
Molecular consequence: missense variant. On other transcripts: intron variant (1).
Genome position (GRCh38, 1-based): chr3:33,120,483, A>C. VCF-style: chr3-33120483-A-C. GRCh37 (hg19) VCF-style: chr3-33161975-A-C.
Other names: c.611A>C, p.Lys204Thr (NM_001393363.1, NM_001393364.1); c.472-3925A>C (NM_001393365.1); short protein forms K204T.
Identifiers: ClinVar variation 1379680 (VCV001379680.6), dbSNP rs145623565, ClinGen allele CA2300322.

ClinVar aggregate classification (germline): Uncertain significance. Review status: criteria provided, multiple submitters, no conflicts (2 of 4 stars). 2 submissions from 2 submitters: Uncertain significance (2). Last evaluated 2022-10-26.

Conditions:
Osteogenesis imperfecta type 7 (OI7). Also called: OSTEOGENESIS IMPERFECTA, TYPE IIB; OI type 7; OI type VII; Osteogenesis imperfecta type 2B; OI type 2B; Osteogenesis imperfecta, perinatal lethal autosomal recessive. Identifiers: MedGen C1853162, MONDO:0012536, OMIM 610682.

Allele frequency attached by ClinVar (database versions not stated): gnomAD exomes 0.00004; ExAC 0.00010; 1000 Genomes Project 30x 0.00016; 1000 Genomes Project 0.00020; ESP Exome Variant Server 0.00023.
gnomAD v4.1: 72 of 1,609,506 alleles (0.0045%); highest among the groups gnomAD compares: African/African-American, 0.087%; no homozygotes.

Submissions (2):

GeneDx
Classification: Uncertain significance. Last evaluated: 2022-10-26. Review status: criteria provided, single submitter. Criteria: GeneDx Variant Classification Process June 2021. Collection method: clinical testing. Allele origin: germline. Affected: yes.
Comment: In silico analysis supports that this missense variant has a deleterious effect on protein structure/function; Has not been previously published as pathogenic or benign to our knowledge

Labcorp Genetics (formerly Invitae), Labcorp
Classification: Uncertain significance for Osteogenesis imperfecta type 7. Last evaluated: 2022-08-29. Review status: criteria provided, single submitter. Criteria: Invitae Variant Classification Sherloc (09022015). Collection method: clinical testing. Allele origin: germline.
Comment: This sequence change replaces lysine, which is basic and polar, with threonine, which is neutral and polar, at codon 204 of the CRTAP protein (p.Lys204Thr). This variant is present in population databases (rs145623565, gnomAD 0.08%). This variant has not been reported in the literature in individuals affected with CRTAP-related conditions. ClinVar contains an entry for this variant (Variation ID: 1379680). Algorithms developed to predict the effect of missense changes on protein structure and function are either unavailable or do not agree on the potential impact of this missense change (SIFT: "Deleterious"; PolyPhen-2: "Possibly Damaging"; Align-GVGD: "Class C0"). In summary, the available evidence is currently insufficient to determine the role of this variant in disease. Therefore, it has been classified as a Variant of Uncertain Significance.